The following is an entry in ClinVar:

NM_173812.5(DPY19L2):c.1363C>T (p.Arg455Cys)

Gene: DPY19L2 (dpy-19 like 2; minus strand). Cytogenetic location: 12q14.2.
Variant type: single nucleotide variant.
Coding change: c.1363C>T on transcript NM_173812.5 (MANE Select); coding-DNA position 1363, C replaced by T.
Protein change: p.Arg455Cys; replaces arginine 455 with cysteine.
Molecular consequence: missense variant.
Genome position (GRCh38, 1-based): chr12:63,597,907, G>A on the plus strand (C>T on the coding strand, the complement: DPY19L2 is on the minus strand). VCF-style: chr12-63597907-G-A. GRCh37 (hg19) VCF-style: chr12-63991687-G-A.
Other names: short protein forms R455C.
Identifiers: ClinVar variation 5039123 (VCV005039123.1).

ClinVar aggregate classification (germline): Likely benign (1 of 4 stars; one submission).

gnomAD v4.1: 21 of 1,585,458 alleles (0.0013%); highest among the groups gnomAD compares: African/African-American, 0.0095%; no homozygotes.

Submission:

CeGaT Center for Human Genetics Tuebingen
Classification: Likely benign. Last evaluated: 2026-07-01. Review status: criteria provided, single submitter. Criteria: CeGaT Center For Human Genetics Tuebingen Variant Classification Criteria Version 2. Collection method: clinical testing. Allele origin: germline. Affected: yes. Observed: 1 variant allele.
Comment: DPY19L2: BP4